The following is an entry in ClinVar:

NM_002334.4(LRP4):c.3955G>A (p.Gly1319Ser)

Gene: LRP4 (LDL receptor related protein 4; minus strand). Cytogenetic location: 11p11.2.
Variant type: single nucleotide variant.
Coding change: c.3955G>A on transcript NM_002334.4 (MANE Select); coding-DNA position 3955, G replaced by A.
Protein change: p.Gly1319Ser; replaces glycine 1319 with serine.
Molecular consequence: missense variant.
Genome position (GRCh38, 1-based): chr11:46,875,074, C>T on the plus strand (G>A on the coding strand, the complement: LRP4 is on the minus strand). VCF-style: chr11-46875074-C-T. GRCh37 (hg19) VCF-style: chr11-46896625-C-T.
Other names: short protein forms G1319S.
Identifiers: ClinVar variation 937333 (VCV000937333.5), dbSNP rs756790038, ClinGen allele CA380271493.
Genomic context (GRCh38, chr11:46,875,074, plus strand): 5'-TGCCAGTGGGGCAGGCACAGGAGAAGCCAGAAGGCCGAGGCAAGCAGAGGTGGGAGCAGC[C>T]GCCATTTCTCGAGCCGCACTTGTTAAAACCTGGTGATGAGAAGCACAAGTATTCACACCT-3'
Protein context (NP_002325.2, residues 1309-1329): GFNKCGSRNG[Gly1319Ser]CSHLCLPRPS

ClinVar aggregate classification (germline): Uncertain significance. Review status: criteria provided, multiple submitters, no conflicts (2 of 4 stars). 2 submissions from 2 submitters: Uncertain significance (2). Last evaluated 2025-12-09.

Conditions:
Cenani-Lenz syndactyly syndrome. Also called: SYNDACTYLY, TYPE VII; CENANI SYNDACTYLISM. Identifiers: Orphanet 3258, MedGen C1859309, MONDO:0008931, OMIM 212780.
Sclerosteosis 2 (SOST2). Identifiers: Orphanet 3152, MedGen C3280402, MONDO:0013679, OMIM 614305.
Congenital myasthenic syndrome 17. Identifiers: Orphanet 590, MedGen C4225377, MONDO:0014578, OMIM 616304.
Inborn genetic diseases. Identifiers: MedGen C0950123, MeSH D030342.

Allele frequency attached by ClinVar (database versions not stated): gnomAD 0.00001; TOPMed 0.00001; 1000 Genomes Project 30x 0.00031.
gnomAD v4.1: 25 of 1,613,518 alleles (0.0015%); highest among the groups gnomAD compares: South Asian, 0.0022%; no homozygotes.

Submissions (2):

Ambry Genetics
Classification: Uncertain significance for Inborn genetic diseases. Last evaluated: 2025-12-09. Review status: criteria provided, single submitter. Criteria: Ambry Variant Classification Scheme 2023. Collection method: clinical testing. Allele origin: germline.

Labcorp Genetics (formerly Invitae), Labcorp
Classification: Uncertain significance for Cenani-Lenz syndactyly syndrome; Sclerosteosis 2; Congenital myasthenic syndrome 17. Last evaluated: 2025-12-09. Review status: criteria provided, single submitter. Criteria: Invitae Variant Classification Sherloc (09022015). Collection method: clinical testing. Allele origin: germline.
Comment: This sequence change replaces glycine, which is neutral and non-polar, with serine, which is neutral and polar, at codon 1319 of the LRP4 protein (p.Gly1319Ser). This variant is not present in population databases (gnomAD no frequency). This variant has not been reported in the literature in individuals affected with LRP4-related conditions. ClinVar contains an entry for this variant (Variation ID: 937333). Invitae Evidence Modeling of protein sequence and biophysical properties (such as structural, functional, and spatial information, amino acid conservation, physicochemical variation, residue mobility, and thermodynamic stability) indicates that this missense variant is expected to disrupt LRP4 protein function with a positive predictive value of 80%. In summary, the available evidence is currently insufficient to determine the role of this variant in disease. Therefore, it has been classified as a Variant of Uncertain Significance.